The following is an entry in ClinVar:

ClinVar aggregate classification (germline): Likely benign (1 of 4 stars; one submission).

Submission:

Center for Genomic Medicine, Rigshospitalet, Copenhagen University Hospital
Classification: Likely benign. Last evaluated: 2025-12-29. Review status: criteria provided, single submitter. Criteria: ACMG Guidelines, 2015. Collection method: clinical testing. Allele origin: germline.
Comment: Classification criteria: BP4, BP7

NM_000535.7(PMS2):c.705+29C>G

Gene: PMS2 (PMS1 homolog 2, mismatch repair system component; minus strand). Cytogenetic location: 7p22.1.
Variant type: single nucleotide variant.
Coding change: c.705+29C>G on transcript NM_000535.7 (MANE Select); 29 bases into the intron after coding-DNA position 705, C replaced by G.
Molecular consequence: intron variant.
Genome position (GRCh38, 1-based): chr7:5,999,079, G>C on the plus strand (C>G on the coding strand, the complement: PMS2 is on the minus strand). VCF-style: chr7-5999079-G-C. GRCh37 (hg19) VCF-style: chr7-6038710-G-C.
Other names: c.387+29C>G (NM_001322008.2, NM_001406902.1, NM_001406883.1 and 4 more transcripts); c.396+29C>G (NM_001406881.1, NM_001406879.1, NM_001322015.2 and 6 more transcripts); c.300+29C>G (NM_001406895.1, NM_001322010.2, NM_001322004.2 and 19 more transcripts); c.132+3374C>G (NM_001406911.1); c.192+137C>G (NM_001406904.1, NM_001406905.1); c.133-1656C>G (NM_001322013.2, NM_001406909.1); c.-229+29C>G (NM_001322012.2, NM_001322011.2); c.369+29C>G (NM_001406885.1); and 6 more.
Identifiers: ClinVar variation 4539356 (VCV004539356.1).